The following is an entry in ClinVar:

NM_000053.4(ATP7B):c.2574A>G (p.Thr858=)

Gene: ATP7B (ATPase copper transporting beta; minus strand). Cytogenetic location: 13q14.3.
Variant type: single nucleotide variant.
Coding change: c.2574A>G on transcript NM_000053.4 (MANE Select); coding-DNA position 2574, A replaced by G.
Protein change: p.Thr858=; no amino-acid change (threonine 858 retained).
Molecular consequence: synonymous variant. On other transcripts: intron variant (1).
Genome position (GRCh38, 1-based): chr13:51,950,273, T>C on the plus strand (A>G on the coding strand, the complement: ATP7B is on the minus strand). VCF-style: chr13-51950273-T-C. GRCh37 (hg19) VCF-style: chr13-52524409-T-C.
Other names: c.1286-112A>G (NM_001406548.1); c.2241A>G, p.Thr747= (NM_001243182.2); c.2340A>G, p.Thr780= (NM_001330578.2, NM_001406527.1, NM_001406528.1 and 2 more transcripts); c.2322A>G, p.Thr774= (NM_001330579.2, NM_001406531.1, NM_001406532.1 and 1 more transcripts); c.2574A>G, p.Thr858= (NM_001406511.1, NM_001406512.1, NM_001406513.1 and 7 more transcripts); c.2541A>G, p.Thr847= (NM_001406514.1); c.2478A>G, p.Thr826= (NM_001406517.1, NM_001406518.1); c.2430A>G, p.Thr810= (NM_001406520.1, NM_001406521.1, NM_001406522.1 and 1 more transcripts); and 8 more.
Identifiers: ClinVar variation 3387648 (VCV003387648.1).

ClinVar aggregate classification (germline): Likely benign (1 of 4 stars; one submission).

Conditions:
Wilson disease (WND). Also called: Wilson's disease. Identifiers: Orphanet 905, MedGen C0019202, MONDO:0010200, OMIM 277900. Disease mechanism: loss of function.

gnomAD v4.1: 1 of 1,614,196 alleles (0.000062%); no homozygotes.

Submission:

All of Us Research Program, National Institutes of Health
Classification: Likely benign for Wilson disease. Last evaluated: 2024-05-30. Review status: criteria provided, single submitter. Criteria: ACMG Guidelines, 2015. Collection method: clinical testing. Allele origin: germline. Inheritance: Autosomal recessive inheritance. Observed: 1 variant allele, 1 heterozygote.
Comment: This study involves interpretation of variants in research participants for the purpose of population health screening. Participant phenotype was not available at the time of variant classification. Additional details can be found in publication PMID: 35346344, PMCID: PMC8962531